The following is an entry in ClinVar:

NM_001048174.2(MUTYH):c.475C>T (p.Gln159Ter)

Gene: MUTYH (mutY DNA glycosylase; minus strand). Cytogenetic location: 1p34.1.
Variant type: single nucleotide variant.
Coding change: c.475C>T on transcript NM_001048174.2 (MANE Select); coding-DNA position 475, C replaced by T.
Protein change: p.Gln159Ter; replaces glutamine 159 with a stop codon.
Molecular consequence: nonsense. On other transcripts: non-coding transcript variant (2).
Genome position (GRCh38, 1-based): chr1:45,332,780, G>A on the plus strand (C>T on the coding strand, the complement: MUTYH is on the minus strand). VCF-style: chr1-45332780-G-A. GRCh37 (hg19) VCF-style: chr1-45798452-G-A.
Other names: c.475C>T, p.Gln159Ter (NM_001048171.2, NM_001048173.2, NM_001293195.2); c.478C>T, p.Gln160Ter (NM_001048172.2); c.559C>T, p.Gln187Ter (NM_001128425.2); c.520C>T, p.Gln174Ter (NM_001293190.2); c.508C>T, p.Gln170Ter (NM_001293191.2); c.199C>T, p.Gln67Ter (NM_001293192.2, NM_001293196.2); c.130C>T, p.Gln44Ter (NM_001350650.2, NM_001350651.2); c.550C>T, p.Gln184Ter (NM_012222.3); short protein forms Q187*, Q173*, Q170*, Q184*, Q159*, Q174*, Q67*, Q160*.
Identifiers: ClinVar variation 554017 (VCV000554017.10), dbSNP rs1553128813, ClinGen allele CA340135601.
Genomic context (GRCh38, chr1:45,332,780, plus strand): 5'-CACCCAAGACTCCTGGGTTCCTACCCTCCTGCCATCCCCTTACCTTCCGAGCTCCCTCCT[G>A]CAGCCGCCGGCCACGAGAATAGTAGCCCAGGCCAGCCCAGAGTTGATTCACCTCCTGTGG-3'

ClinVar aggregate classification (germline): Pathogenic. Review status: criteria provided, multiple submitters, no conflicts (2 of 4 stars). 3 submissions from 3 submitters: Pathogenic (2). 1 of the submissions does not count toward it. Last evaluated 2021-06-08.

Conditions:
Hereditary cancer-predisposing syndrome. Also called: Hereditary Cancer Syndrome; Neoplastic Syndromes, Hereditary; Hereditary neoplastic syndrome; Tumor predisposition. Identifiers: Orphanet 140162, MedGen C0027672, MeSH D009386, MONDO:0015356.
Familial adenomatous polyposis 2. Also called: MUTYH Polyposis; MYH-associated polyposis; FAP type 2; MUTYH-associated polyposis; Adenomas, multiple colorectal; MUTYH-related attenuated familial adenomatous polyposis. Identifiers: Orphanet 220460, Orphanet 247798, MedGen C3272841, MONDO:0012041, OMIM 608456.

Allele frequency attached by ClinVar (database versions not stated): gnomAD exomes below 0.00001.
gnomAD v4.1: 1 of 1,614,164 alleles (0.000062%); highest among the groups gnomAD compares: African/African-American, 0.0013%; no homozygotes.

Submissions (3):

Labcorp Genetics (formerly Invitae), Labcorp
Classification: Pathogenic for Familial adenomatous polyposis 2. Last evaluated: 2021-06-08. Review status: criteria provided, single submitter. Criteria: Invitae Variant Classification Sherloc (09022015). Collection method: clinical testing. Allele origin: germline.
Comment: For these reasons, this variant has been classified as Pathogenic. This variant has not been reported in the literature in individuals with MUTYH-related conditions. ClinVar contains an entry for this variant (Variation ID: 554017). This variant is not present in population databases (ExAC no frequency). This sequence change creates a premature translational stop signal (p.Gln187*) in the MUTYH gene. It is expected to result in an absent or disrupted protein product. Loss-of-function variants in MUTYH are known to be pathogenic (PMID: 18534194, 20663686).

Ambry Genetics
Classification: Pathogenic for Hereditary cancer-predisposing syndrome. Last evaluated: 2016-11-02. Review status: criteria provided, single submitter. Criteria: Ambry Variant Classification Scheme 2023. Collection method: clinical testing. Allele origin: germline.
Comment: The p.Q187* pathogenic mutation (also known as c.559C>T), located in coding exon 7 of the MUTYH gene, results from a C to T substitution at nucleotide position 559. This changes the amino acid from a glutamine to a stop codon within coding exon 7. This alteration is expected to result in loss of function by premature protein truncation or nonsense-mediated mRNA decay. As such, this alteration is interpreted as a disease-causing mutation.

Counsyl
Classification: Likely pathogenic for Familial adenomatous polyposis 2. Last evaluated: 2017-09-22. Review status: no assertion criteria provided. Collection method: clinical testing. Allele origin: unknown. Not counted in ClinVar's aggregate classification.

Literature cited by the submitters: PubMed 18534194 (cited by Labcorp Genetics (formerly Invitae), Labcorp); PubMed 20663686 (cited by Labcorp Genetics (formerly Invitae), Labcorp).